The following is an entry in ClinVar:

ClinVar aggregate classification (germline): Pathogenic (1 of 4 stars; one submission).

Conditions:
Ehlers-Danlos syndrome, dermatosparaxis type. Also called: EDS VIIC; Dermatosparaxis; Ehlers-Danlos syndrome, type VII, autosomal recessive. Identifiers: Orphanet 1901, MedGen C2700425, MONDO:0009161, OMIM 225410.

Submission:

Myriad Genetics, Inc.
Classification: Pathogenic for Ehlers-Danlos syndrome, dermatosparaxis type. Last evaluated: 2024-05-14. Review status: criteria provided, single submitter. Criteria: Myriad Autosomal Dominant, Autosomal Recessive and X-Linked Classification Criteria (2023). Collection method: clinical testing. Allele origin: unknown.
Comment: NM_014244.4(ADAMTS2):c.71_72insT(P25Afs*41) is expected to be pathogenic in the context of Ehlers-Danlos syndrome, ADAMTS2-related. This variant is predicted to lead to an abnormal or absent protein product due to the creation of a premature termination codon in ADAMTS2, a gene where loss-of-function variants are known to be pathogenic. Please note: this variant was assessed in the context of healthy population screening.

NM_014244.5(ADAMTS2):c.71_72insT (p.Pro25fs)

Gene: ADAMTS2 (ADAM metallopeptidase with thrombospondin type 1 motif 2; minus strand). Cytogenetic location: 5q35.3.
Variant type: Insertion.
Coding change: c.71_72insT on transcript NM_014244.5 (MANE Select); coding-DNA positions 71 to 72, T inserted.
Protein change: p.Pro25fs; shifts the reading frame from proline 25.
Molecular consequence: frameshift variant.
Genome position: GRCh38 VCF-style: chr5-179345257-C-CA. GRCh37 (hg19) VCF-style: chr5-178772258-C-CA.
Other names: c.71_72insT, p.Pro25fs (NM_021599.4); short protein forms P25fs.
Identifiers: ClinVar variation 5011221 (VCV005011221.1).